The following is an entry in ClinVar:

NM_004186.5(SEMA3F):c.1018C>T (p.Gln340Ter)

Gene: SEMA3F (semaphorin 3F; plus strand). Cytogenetic location: 3p21.31.
Variant type: single nucleotide variant.
Coding change: c.1018C>T on transcript NM_004186.5 (MANE Select); coding-DNA position 1018, C replaced by T.
Protein change: p.Gln340Ter; replaces glutamine 340 with a stop codon.
Molecular consequence: nonsense.
Genome position (GRCh38, 1-based): chr3:50,183,018, C>T. VCF-style: chr3-50183018-C-T. GRCh37 (hg19) VCF-style: chr3-50220451-C-T.
Other names: c.721C>T, p.Gln241Ter (NM_001318798.2); c.925C>T, p.Gln309Ter (NM_001318800.2); short protein forms Q241*, Q309*, Q340*.
Identifiers: ClinVar variation 3347511 (VCV003347511.1).
Genomic context (GRCh38, chr3:50,183,018, plus strand): 5'-GCGCGGCTCGTCTGCTCTGTCCCGGGCGAGGATGGCATTGAGACTCACTTTGATGAGCTC[C>T]GTGAGTGCCCAGCAGGCAGGCAGGGTGCTCTGGCTACAGCAAGAGGGATAGAGGCGGGAT-3'

ClinVar aggregate classification (germline): Uncertain significance (0 of 4 stars; one submission).

Conditions:
SEMA3F-related disorder. Also called: SEMA3F-related condition.

Submission:

PreventionGenetics, part of Exact Sciences
Classification: Uncertain significance for SEMA3F-related condition. Last evaluated: 2024-07-09. Review status: no assertion criteria provided. Collection method: clinical testing. Allele origin: germline.
Comment: The SEMA3F c.1018C>T variant is predicted to result in premature protein termination (p.Gln340*). To our knowledge, this variant has not been reported in the literature or in a large population database, indicating this variant is rare. At this time, the clinical significance of this variant is uncertain due to the absence of conclusive functional and genetic evidence.